The following is an entry in ClinVar:

NM_004064.5(CDKN1B):c.141G>C (p.Lys47Asn)

Gene: CDKN1B (cyclin dependent kinase inhibitor 1B; plus strand). Cytogenetic location: 12p13.1.
Variant type: single nucleotide variant.
Coding change: c.141G>C on transcript NM_004064.5 (MANE Select); coding-DNA position 141, G replaced by C.
Protein change: p.Lys47Asn; replaces lysine 47 with asparagine.
Molecular consequence: missense variant.
Genome position (GRCh38, 1-based): chr12:12,717,980, G>C. VCF-style: chr12-12717980-G-C. GRCh37 (hg19) VCF-style: chr12-12870914-G-C.
Other names: short protein forms K47N.
Identifiers: ClinVar variation 2114096 (VCV002114096.4), dbSNP rs2136355630, ClinGen allele CA383968922.
Genomic context (GRCh38, chr12:12,717,980, plus strand): 5'-GGCCTGCAGGAACCTCTTCGGCCCGGTGGACCACGAAGAGTTAACCCGGGACTTGGAGAA[G>C]CACTGCAGAGACATGGAAGAGGCGAGCCAGCGCAAGTGGAATTTCGATTTTCAGAATCAC-3'
Protein context (NP_004055.1, residues 37-57): DHEELTRDLE[Lys47Asn]HCRDMEEASQ

ClinVar aggregate classification (germline): Uncertain significance (1 of 4 stars; one submission).

Conditions:
Multiple endocrine neoplasia type 4. Also called: MULTIPLE ENDOCRINE NEOPLASIA, TYPE IV. Identifiers: Orphanet 276152, MedGen C1970712, MONDO:0012552, OMIM 610755.

Submission:

Labcorp Genetics (formerly Invitae), Labcorp
Classification: Uncertain significance for Multiple endocrine neoplasia type 4. Last evaluated: 2022-03-22. Review status: criteria provided, single submitter. Criteria: Invitae Variant Classification Sherloc (09022015). Collection method: clinical testing. Allele origin: germline.
Comment: In summary, the available evidence is currently insufficient to determine the role of this variant in disease. Therefore, it has been classified as a Variant of Uncertain Significance. Algorithms developed to predict the effect of missense changes on protein structure and function are either unavailable or do not agree on the potential impact of this missense change (SIFT: "Deleterious"; PolyPhen-2: "Benign"; Align-GVGD: "Class C65"). This variant has not been reported in the literature in individuals affected with CDKN1B-related conditions. This variant is not present in population databases (gnomAD no frequency). This sequence change replaces lysine, which is basic and polar, with asparagine, which is neutral and polar, at codon 47 of the CDKN1B protein (p.Lys47Asn).